The following is an entry in ClinVar:

NM_006231.4(POLE):c.3823C>T (p.His1275Tyr)

Gene: POLE (DNA polymerase epsilon, catalytic subunit; minus strand). Cytogenetic location: 12q24.33.
Variant type: single nucleotide variant.
Coding change: c.3823C>T on transcript NM_006231.4 (MANE Select); coding-DNA position 3823, C replaced by T.
Protein change: p.His1275Tyr; replaces histidine 1275 with tyrosine.
Molecular consequence: missense variant.
Genome position (GRCh38, 1-based): chr12:132,649,488, G>A on the plus strand (C>T on the coding strand, the complement: POLE is on the minus strand). VCF-style: chr12-132649488-G-A. GRCh37 (hg19) VCF-style: chr12-133226074-G-A.
Other names: short protein forms H1275Y.
Identifiers: ClinVar variation 2810302 (VCV002810302.3), dbSNP rs2138609815, ClinGen allele CA387385583.

ClinVar aggregate classification (germline): Uncertain significance (1 of 4 stars; one submission).

Submission:

Labcorp Genetics (formerly Invitae), Labcorp
Classification: Uncertain significance. Last evaluated: 2023-08-11. Review status: criteria provided, single submitter. Criteria: Invitae Variant Classification Sherloc (09022015). Collection method: clinical testing. Allele origin: germline.
Comment: In summary, the available evidence is currently insufficient to determine the role of this variant in disease. Therefore, it has been classified as a Variant of Uncertain Significance. Advanced modeling of protein sequence and biophysical properties (such as structural, functional, and spatial information, amino acid conservation, physicochemical variation, residue mobility, and thermodynamic stability) performed at Invitae indicates that this missense variant is not expected to disrupt POLE protein function. This variant has not been reported in the literature in individuals affected with POLE-related conditions. This variant is not present in population databases (gnomAD no frequency). This sequence change replaces histidine, which is basic and polar, with tyrosine, which is neutral and polar, at codon 1275 of the POLE protein (p.His1275Tyr).